The following is an entry in ClinVar:

ClinVar aggregate classification (germline): Pathogenic (1 of 4 stars; one submission).

Conditions:
Primary ciliary dyskinesia 3. Identifiers: Orphanet 244, MedGen C1837618, MONDO:0012085, OMIM 608644.

Submission:

Myriad Genetics, Inc.
Classification: Pathogenic for Primary ciliary dyskinesia 3. Last evaluated: 2024-05-14. Review status: criteria provided, single submitter. Criteria: Myriad Autosomal Dominant, Autosomal Recessive and X-Linked Classification Criteria (2023). Collection method: clinical testing. Allele origin: unknown.
Comment: NM_001369.2(DNAH5):c.4205_4206ins14(L1403Sfs*8) is expected to be pathogenic in the context of primary ciliary dyskinesia, DNAH5-related. This variant is predicted to lead to an abnormal or absent protein product due to the creation of a premature termination codon in DNAH5, a gene where loss-of-function variants are known to be pathogenic. Please note: this variant was assessed in the context of healthy population screening.

NM_001369.3(DNAH5):c.4205_4206insGTCTCTTATACACA (p.Leu1403fs)

Genes: DNAH5 (dynein axonemal heavy chain 5; minus strand), DNAH5-AS1 (DNAH5 antisense RNA 1; plus strand). Cytogenetic location: 5p15.2.
Variant type: Insertion.
Coding change: c.4205_4206insGTCTCTTATACACA on transcript NM_001369.3 (MANE Select); coding-DNA positions 4205 to 4206, GTCTCTTATACACA inserted.
Protein change: p.Leu1403fs; shifts the reading frame from leucine 1403.
Molecular consequence: frameshift variant.
Genome position: GRCh38 VCF-style: chr5-13865817-A-ATGTGTATAAGAGAC. GRCh37 (hg19) VCF-style: chr5-13865926-A-ATGTGTATAAGAGAC.
Other names: short protein forms L1403fs.
Identifiers: ClinVar variation 5010989 (VCV005010989.1).